The following is an entry in ClinVar:

Conditions:
Breast-ovarian cancer, familial, susceptibility to, 1 (BROVCA1). Also called: BRCA1 Hereditary Breast and Ovarian Cancer; OVARIAN CANCER, SUSCEPTIBILITY TO. Identifiers: Orphanet 145, MedGen C2676676, MONDO:0011450, OMIM 604370. Disease mechanism: loss of function.

Submission:

Brotman Baty Institute, University of Washington
No classification provided (evidence only). Condition: Breast-ovarian cancer, familial 1. Review status: no classification provided. Collection method: in vitro. Allele origin: not applicable. Functional consequence: functionally_normal.
ClinVar note: "not provided" was previously submitted as the classification for the variant. However, the classification appeared to be based only on an observation of functional data so it was converted to no classification on 2025-07-30.

NM_007294.4(BRCA1):c.5075-8T>C

Gene: BRCA1 (BRCA1 DNA repair associated; minus strand). Cytogenetic location: 17q21.31.
Variant type: single nucleotide variant.
Coding change: c.5075-8T>C on transcript NM_007294.4 (MANE Select); 8 bases into the intron before coding-DNA position 5075, T replaced by C.
Molecular consequence: intron variant.
Genome position (GRCh38, 1-based): chr17:43,063,959, A>G on the plus strand (T>C on the coding strand, the complement: BRCA1 is on the minus strand). VCF-style: chr17-43063959-A-G. GRCh37 (hg19) VCF-style: chr17-41215976-A-G.
Other names: c.1688-8T>C (NM_001408411.1); c.4997-8T>C (NM_001407655.1, NM_001407654.1, NM_001407653.1); c.4736-8T>C (NM_001407956.1, NM_001407957.1, NM_001407958.1); c.4862-8T>C (NM_001407897.1, NM_001407908.1, NM_001407898.1 and 12 more transcripts); c.4742-8T>C (NM_001407947.1, NM_001407949.1, NM_001407946.1 and 1 more transcripts); c.839-8T>C (NM_001408514.1); c.1553-8T>C (NM_001408485.1, NM_001408483.1, NM_001408491.1 and 5 more transcripts); c.4865-8T>C (NM_001407882.1, NM_001407885.1, NM_001407886.1 and 5 more transcripts); and 73 more.
Identifiers: ClinVar variation 864918 (VCV000864918.3), dbSNP rs397509221, ClinGen allele CA916080136.